The following is an entry in ClinVar:

ClinVar aggregate classification (germline): Conflicting classifications of pathogenicity. Review status: criteria provided, conflicting classifications (1 of 4 stars). 3 submissions from 3 submitters: Uncertain significance (1); Likely benign (2). Last evaluated 2025-11-17.

Conditions:
Acute myeloid leukemia (AML). Also called: Leukemia, acute myeloid, somatic; Leukemia, acute myelogenous, somatic; Acute myeloid leukemia, adult; AML adult; Acute non-lymphocytic leukemia; Acute granulocytic leukemia. Identifiers: Orphanet 519, MedGen C0023467, MeSH D015470, MONDO:0018874, OMIM 601626, HP:0004808. Disease mechanism: Constitutively activated FLT3.
Inborn genetic diseases. Identifiers: MedGen C0950123, MeSH D030342.

Allele frequency attached by ClinVar (database versions not stated): gnomAD exomes 0.00001 and 0.00004; ExAC 0.00004; gnomAD 0.00009; TOPMed 0.00009; ESP Exome Variant Server 0.00015; 1000 Genomes Project 30x 0.00016; 1000 Genomes Project 0.00020.
gnomAD v4.1: 30 of 1,613,418 alleles (0.0019%); highest among the groups gnomAD compares: African/African-American, 0.035%; no homozygotes.

Submissions (3):

Labcorp Genetics (formerly Invitae), Labcorp
Classification: Likely benign for Acute myeloid leukemia. Last evaluated: 2025-11-17. Review status: criteria provided, single submitter. Criteria: Invitae Variant Classification Sherloc (09022015). Collection method: clinical testing. Allele origin: germline.

Ambry Genetics
Classification: Likely benign for Inborn genetic diseases. Last evaluated: 2024-08-21. Review status: criteria provided, single submitter. Criteria: Ambry Variant Classification Scheme 2023. Collection method: clinical testing. Allele origin: germline.

GeneDx
Classification: Uncertain significance. Last evaluated: 2024-03-28. Review status: criteria provided, single submitter. Criteria: GeneDx Variant Classification Process June 2021. Collection method: clinical testing. Allele origin: germline. Affected: yes.
Comment: In silico analysis supports that this variant does not alter splicing; Has not been previously published as pathogenic or benign to our knowledge

NM_004364.5(CEBPA):c.942G>T (p.Val314=)

Gene: CEBPA (CCAAT enhancer binding protein alpha; minus strand). Cytogenetic location: 19q13.11.
Variant type: single nucleotide variant.
Coding change: c.942G>T on transcript NM_004364.5 (MANE Select); coding-DNA position 942, G replaced by T.
Protein change: p.Val314=; no amino-acid change (valine 314 retained).
Molecular consequence: synonymous variant.
Genome position (GRCh38, 1-based): chr19:33,301,473, C>A on the plus strand (G>T on the coding strand, the complement: CEBPA is on the minus strand). VCF-style: chr19-33301473-C-A. GRCh37 (hg19) VCF-style: chr19-33792379-C-A.
Other names: c.942G>T (NM_004364.3); c.585G>T, p.Val195= (NM_001285829.2); c.1047G>T, p.Val349= (NM_001287424.2); c.900G>T, p.Val300= (NM_001287435.2).
Identifiers: ClinVar variation 526828 (VCV000526828.19), dbSNP rs377329266, ClinGen allele CA9363672.